The following is an entry in ClinVar:

ClinVar aggregate classification (germline): Likely pathogenic (1 of 4 stars; one submission).

Submission:

Greenwood Genetic Center Diagnostic Laboratories, Greenwood Genetic Center
Classification: Likely pathogenic. Last evaluated: 2020-12-14. Review status: criteria provided, single submitter. Criteria: ACMG Guidelines, 2015. Collection method: clinical testing. Allele origin: germline. Affected: yes.
Comment: PS2, PM2

NM_003470.3(USP7):c.3281T>G (p.Leu1094Arg)

Gene: USP7 (ubiquitin specific peptidase 7; minus strand). Cytogenetic location: 16p13.2.
Variant type: single nucleotide variant.
Coding change: c.3281T>G on transcript NM_003470.3 (MANE Select); coding-DNA position 3281, T replaced by G.
Protein change: p.Leu1094Arg; replaces leucine 1094 with arginine.
Molecular consequence: missense variant. On other transcripts: non-coding transcript variant (1).
Genome position (GRCh38, 1-based): chr16:8,894,026, A>C on the plus strand (T>G on the coding strand, the complement: USP7 is on the minus strand). VCF-style: chr16-8894026-A-C. GRCh37 (hg19) VCF-style: chr16-8987883-A-C.
Other names: c.3233T>G, p.Leu1078Arg (NM_001286457.2); c.2984T>G, p.Leu995Arg (NM_001286458.2); c.3107T>G, p.Leu1036Arg (NM_001321858.2); short protein forms L1036R, L1078R, L1094R, L995R.
Identifiers: ClinVar variation 1331543 (VCV001331543.4), dbSNP rs2141156206, ClinGen allele CA394694267.
Genomic context (GRCh38, chr16:8,894,026, plus strand): 5'-CCGTCCTCGCCTTGAACACACCAGCTTGGAAATCAGTTATGGATTTTAATGGCCTTTTCA[A>C]GGTAAGTGTAGCGACTCCTCTTTGGGGCTTTGTTGAAGTGGTCGAGCCCTAGCCAAGGCC-3'
Protein context (NP_003461.2, residues 1084-1102): KAPKRSRYTY[Leu1094Arg]EKAIKIHN